The following is an entry in ClinVar:

ClinVar aggregate classification (germline): Uncertain significance (1 of 4 stars; one submission).

Conditions:
Malignant hyperthermia, susceptibility to, 1 (MHS1). Also called: Anesthesia related hyperthermia; Malignant hyperpyrexia; Fulminating hyperpyrexia; Pharmacogenic myopathy; RYR1-Related Malignant Hyperthermia Susceptibility; Malignant hyperthermia suceptibility 1. Identifiers: Orphanet 423, MedGen C2930980, MONDO:0007783, OMIM 145600.

Submission:

All of Us Research Program, National Institutes of Health
Classification: Uncertain significance for Malignant hyperthermia, susceptibility to, 1. Last evaluated: 2023-06-08. Review status: criteria provided, single submitter. Criteria: ACMG Guidelines, 2015. Collection method: clinical testing. Allele origin: germline. Inheritance: Autosomal dominant inheritance. Observed: 1 variant allele, 1 heterozygote.
Comment: This missense variant replaces threonine with alanine at codon 1272 of the RYR1 protein. Computational prediction suggests that this variant may not impact protein structure and function (internally defined REVEL score threshold <= 0.5, PMID: 27666373). To our knowledge, functional studies have not been reported for this variant. This variant has not been reported in individuals affected with RYR1-related disorders in the literature. This variant has not been identified in the general population by the Genome Aggregation Database (gnomAD). The available evidence is insufficient to determine the role of this variant in disease conclusively. Therefore, this variant is classified as a Variant of Uncertain Significance.

This study involves interpretation of variants in research participants for the purpose of population health screening. Participant phenotype was not available at the time of variant classification. Additional details can be found in publication PMID: 35346344, PMCID: PMC8962531

NM_000540.3(RYR1):c.3814A>G (p.Thr1272Ala)

Gene: RYR1 (ryanodine receptor 1; plus strand). Cytogenetic location: 19q13.2.
Variant type: single nucleotide variant.
Coding change: c.3814A>G on transcript NM_000540.3 (MANE Select); coding-DNA position 3814, A replaced by G.
Protein change: p.Thr1272Ala; replaces threonine 1272 with alanine.
Molecular consequence: missense variant.
Genome position (GRCh38, 1-based): chr19:38,473,425, A>G. VCF-style: chr19-38473425-A-G. GRCh37 (hg19) VCF-style: chr19-38964065-A-G.
Other names: c.3814A>G, p.Thr1272Ala (NM_001042723.2); short protein forms T1272A.
Identifiers: ClinVar variation 3071629 (VCV003071629.1), dbSNP rs1600729693, ClinGen allele CA405641523.